The following is an entry in ClinVar:

NM_006231.4(POLE):c.5654C>T (p.Ala1885Val)

Gene: POLE (DNA polymerase epsilon, catalytic subunit; minus strand). Cytogenetic location: 12q24.33.
Variant type: single nucleotide variant.
Coding change: c.5654C>T on transcript NM_006231.4 (MANE Select); coding-DNA position 5654, C replaced by T.
Protein change: p.Ala1885Val; replaces alanine 1885 with valine.
Molecular consequence: missense variant.
Genome position (GRCh38, 1-based): chr12:132,638,038, G>A on the plus strand (C>T on the coding strand, the complement: POLE is on the minus strand). VCF-style: chr12-132638038-G-A. GRCh37 (hg19) VCF-style: chr12-133214624-G-A.
Other names: c.5654C>T (NM_006231.2); short protein forms A1885V.
Identifiers: ClinVar variation 1365115 (VCV001365115.9), dbSNP rs2138500404, ClinGen allele CA387373970.
Genomic context (GRCh38, chr12:132,638,038, plus strand): 5'-CCACAGTGCTGCGTCACCAGGACCAGCCAGCCGCACCTGCTGGTGATGTACTCCACGTAA[G>A]CGATGGCATCTTCCACACGGCGCTTCTTTGTACAGAGGATGATGCGGTTGAAGTTGGCGT-3'
Protein context (NP_006222.2, residues 1875-1895): TKKRRVEDAI[Ala1885Val]YVEYITSSIH

ClinVar aggregate classification (germline): Uncertain significance. Review status: criteria provided, multiple submitters, no conflicts (2 of 4 stars). 2 submissions from 2 submitters: Uncertain significance (2). Last evaluated 2024-10-31.

Conditions:
Hereditary cancer-predisposing syndrome. Also called: Neoplastic Syndromes, Hereditary; Tumor predisposition; Hereditary neoplastic syndrome; Hereditary Cancer Syndrome. Identifiers: Orphanet 140162, MedGen C0027672, MeSH D009386, MONDO:0015356.

Allele frequency attached by ClinVar (database versions not stated): gnomAD exomes below 0.00001.
gnomAD v4.1: 3 of 1,614,056 alleles (0.00019%); highest among the groups gnomAD compares: Non-Finnish European, 0.00025%; no homozygotes.

Submissions (2):

Ambry Genetics
Classification: Uncertain significance for Hereditary cancer-predisposing syndrome. Last evaluated: 2024-10-31. Review status: criteria provided, single submitter. Criteria: Ambry Variant Classification Scheme 2023. Collection method: clinical testing. Allele origin: germline.
Comment: The p.A1885V variant (also known as c.5654C>T), located in coding exon 41 of the POLE gene, results from a C to T substitution at nucleotide position 5654. The alanine at codon 1885 is replaced by valine, an amino acid with similar properties. This amino acid position is conserved. In addition, the in silico prediction for this alteration is inconclusive. Based on the available evidence, the clinical significance of this variant remains unclear.

Labcorp Genetics (formerly Invitae), Labcorp
Classification: Uncertain significance. Last evaluated: 2024-10-16. Review status: criteria provided, single submitter. Criteria: Invitae Variant Classification Sherloc (09022015). Collection method: clinical testing. Allele origin: germline.
Comment: This sequence change replaces alanine, which is neutral and non-polar, with valine, which is neutral and non-polar, at codon 1885 of the POLE protein (p.Ala1885Val). This variant is not present in population databases (gnomAD no frequency). This variant has not been reported in the literature in individuals affected with POLE-related conditions. ClinVar contains an entry for this variant (Variation ID: 1365115). Invitae Evidence Modeling of protein sequence and biophysical properties (such as structural, functional, and spatial information, amino acid conservation, physicochemical variation, residue mobility, and thermodynamic stability) indicates that this missense variant is not expected to disrupt POLE protein function with a negative predictive value of 80%. In summary, the available evidence is currently insufficient to determine the role of this variant in disease. Therefore, it has been classified as a Variant of Uncertain Significance.